The following is an entry in ClinVar:

NM_001378454.1(ALMS1):c.4516C>T (p.Pro1506Ser)

Gene: ALMS1 (ALMS1 centrosome and basal body associated protein; plus strand). Cytogenetic location: 2p13.1.
Variant type: single nucleotide variant.
Coding change: c.4516C>T on transcript NM_001378454.1 (MANE Select); coding-DNA position 4516, C replaced by T.
Protein change: p.Pro1506Ser; replaces proline 1506 with serine.
Molecular consequence: missense variant.
Genome position (GRCh38, 1-based): chr2:73,451,043, C>T. VCF-style: chr2-73451043-C-T. GRCh37 (hg19) VCF-style: chr2-73678170-C-T.
Other names: c.4519C>T, p.Pro1507Ser (NM_015120.4); short protein forms P1506S, P1507S.
Identifiers: ClinVar variation 1389478 (VCV001389478.5), dbSNP rs1233912426, ClinGen allele CA347278701.

ClinVar aggregate classification (germline): Conflicting classifications of pathogenicity. Review status: criteria provided, conflicting classifications (1 of 4 stars). 3 submissions from 3 submitters: Uncertain significance (2); Likely benign (1). Last evaluated 2026-02-03.

Conditions:
Cardiovascular phenotype. Identifiers: MedGen CN230736.
Alstrom syndrome (ALMS). Identifiers: Orphanet 64, MedGen C0268425, MONDO:0008763, OMIM 203800.

Allele frequency attached by ClinVar (database versions not stated): gnomAD exomes below 0.00001 and 0.00001; gnomAD 0.00001.
gnomAD v4.1: 4 of 1,611,946 alleles (0.00025%); highest among the groups gnomAD compares: Admixed American, 0.0017%; no homozygotes.

Submissions (3):

Ambry Genetics
Classification: Likely benign for Cardiovascular phenotype. Last evaluated: 2026-02-03. Review status: criteria provided, single submitter. Criteria: Ambry Variant Classification Scheme 2023. Collection method: clinical testing. Allele origin: germline.

Labcorp Genetics (formerly Invitae), Labcorp
Classification: Uncertain significance for Alstrom syndrome. Last evaluated: 2022-01-26. Review status: criteria provided, single submitter. Criteria: Invitae Variant Classification Sherloc (09022015). Collection method: clinical testing. Allele origin: germline.
Comment: This sequence change replaces proline, which is neutral and non-polar, with serine, which is neutral and polar, at codon 1507 of the ALMS1 protein (p.Pro1507Ser). This variant is present in population databases (no rsID available, gnomAD 0.003%). This variant has not been reported in the literature in individuals affected with ALMS1-related conditions. Experimental studies and prediction algorithms are not available or were not evaluated, and the functional significance of this variant is currently unknown. In summary, the available evidence is currently insufficient to determine the role of this variant in disease. Therefore, it has been classified as a Variant of Uncertain Significance.

Fulgent Genetics
Classification: Uncertain significance for Alstrom syndrome. Last evaluated: 2021-10-10. Review status: criteria provided, single submitter. Criteria: ACMG Guidelines, 2015. Collection method: clinical testing. Allele origin: unknown.